The following is an entry in ClinVar:

ClinVar aggregate classification (germline): Uncertain significance. Review status: criteria provided, multiple submitters, no conflicts (2 of 4 stars). 2 submissions from 2 submitters: Uncertain significance (2). Last evaluated 2024-09-11.

Conditions:
Methylmalonic aciduria, cblB type (MACB). Also called: Methylmalonic acidemia cblB type; Vitamin B12-responsive methylmalonic acidemia type cblB; METHYLMALONIC ACIDURIA, VITAMIN B12-RESPONSIVE, DUE TO DEFECT IN SYNTHESIS OF ADENOSYLCOBALAMIN, cblB TYPE. Identifiers: Orphanet 28, Orphanet 79311, MedGen C1855102, MONDO:0009614, OMIM 251110.

gnomAD v4.1: 1 of 1,605,870 alleles (0.000062%); highest among the groups gnomAD compares: Admixed American, 0.0017%; no homozygotes.

Submissions (2):

Labcorp Genetics (formerly Invitae), Labcorp
Classification: Uncertain significance for Methylmalonic aciduria, cblB type. Last evaluated: 2024-09-11. Review status: criteria provided, single submitter. Criteria: Invitae Variant Classification Sherloc (09022015). Collection method: clinical testing. Allele origin: germline.
Comment: This sequence change replaces leucine, which is neutral and non-polar, with valine, which is neutral and non-polar, at codon 6 of the MMAB protein (p.Leu6Val). This variant is present in population databases (no rsID available, gnomAD 0.003%). This variant has not been reported in the literature in individuals affected with MMAB-related conditions. Invitae Evidence Modeling of protein sequence and biophysical properties (such as structural, functional, and spatial information, amino acid conservation, physicochemical variation, residue mobility, and thermodynamic stability) indicates that this missense variant is not expected to disrupt MMAB protein function with a negative predictive value of 95%. In summary, the available evidence is currently insufficient to determine the role of this variant in disease. Therefore, it has been classified as a Variant of Uncertain Significance.

Revvity Omics, Revvity
Classification: Uncertain significance for Methylmalonic aciduria, cblB type. Last evaluated: 2023-11-30. Review status: criteria provided, single submitter. Criteria: ACMG Guidelines, 2015. Collection method: clinical testing. Allele origin: germline.

NM_052845.4(MMAB):c.16C>G (p.Leu6Val)

Genes: MMAB (metabolism of cobalamin associated B; minus strand), MVK (mevalonate kinase; plus strand). Cytogenetic location: 12q24.11.
Variant type: single nucleotide variant.
Coding change: c.16C>G on transcript NM_052845.4 (MANE Select); coding-DNA position 16, C replaced by G.
Protein change: p.Leu6Val; replaces leucine 6 with valine.
Molecular consequence: missense variant. On other transcripts: non-coding transcript variant (1).
Genome position (GRCh38, 1-based): chr12:109,573,465, G>C on the plus strand (C>G on the coding strand, the complement: MMAB is on the minus strand). VCF-style: chr12-109573465-G-C. GRCh37 (hg19) VCF-style: chr12-110011270-G-C.
Other names: short protein forms L6V.
Identifiers: ClinVar variation 3605813 (VCV003605813.3).